The following is an entry in ClinVar:

NM_005869.4(CWC27):c.495+4G>C

Gene: CWC27 (CWC27 spliceosome associated cyclophilin; plus strand). Cytogenetic location: 5q12.3.
Variant type: single nucleotide variant.
Coding change: c.495+4G>C on transcript NM_005869.4 (MANE Select); 4 bases into the intron after coding-DNA position 495, G replaced by C.
Molecular consequence: intron variant.
Genome position (GRCh38, 1-based): chr5:64,785,583, G>C. VCF-style: chr5-64785583-G-C. GRCh37 (hg19) VCF-style: chr5-64081410-G-C.
Other names: c.495+4G>C (NM_001297644.1, NM_001364478.1, NM_001318000.2 and 2 more transcripts).
Identifiers: ClinVar variation 1495723 (VCV001495723.5), dbSNP rs371394386, ClinGen allele CA3281958.

ClinVar aggregate classification (germline): Conflicting classifications of pathogenicity. Review status: criteria provided, conflicting classifications (1 of 4 stars). 3 submissions from 3 submitters: Uncertain significance (2); Likely benign (1). Last evaluated 2022-08-26.

Conditions:
Inborn genetic diseases. Identifiers: MedGen C0950123, MeSH D030342.

Allele frequency attached by ClinVar (database versions not stated): gnomAD exomes 0.00001 and 0.00003; ExAC 0.00002; gnomAD 0.00007 and 0.00009; ESP Exome Variant Server 0.00008; TOPMed 0.00011; 1000 Genomes Project 30x 0.00016; 1000 Genomes Project 0.00020.
gnomAD v4.1: 23 of 1,560,676 alleles (0.0015%); highest among the groups gnomAD compares: African/African-American, 0.029%; no homozygotes.

Submissions (3):

Blueprint Genetics
Classification: Likely benign. Last evaluated: 2022-08-26. Review status: criteria provided, single submitter. Criteria: ACMG Guidelines, 2015. Collection method: clinical testing. Allele origin: germline.

Labcorp Genetics (formerly Invitae), Labcorp
Classification: Uncertain significance. Last evaluated: 2022-08-16. Review status: criteria provided, single submitter. Criteria: Invitae Variant Classification Sherloc (09022015). Collection method: clinical testing. Allele origin: germline.
Comment: This sequence change falls in intron 5 of the CWC27 gene. It does not directly change the encoded amino acid sequence of the CWC27 protein. It affects a nucleotide within the consensus splice site. This variant is present in population databases (rs371394386, gnomAD 0.04%). This variant has not been reported in the literature in individuals affected with CWC27-related conditions. ClinVar contains an entry for this variant (Variation ID: 1495723). Variants that disrupt the consensus splice site are a relatively common cause of aberrant splicing (PMID: 17576681, 9536098). Algorithms developed to predict the effect of sequence changes on RNA splicing suggest that this variant is not likely to affect RNA splicing. In summary, the available evidence is currently insufficient to determine the role of this variant in disease. Therefore, it has been classified as a Variant of Uncertain Significance.

Ambry Genetics
Classification: Uncertain significance for Inborn genetic diseases. Last evaluated: 2021-10-21. Review status: criteria provided, single submitter. Criteria: Ambry Variant Classification Scheme 2023. Collection method: clinical testing. Allele origin: germline.
Comment: The c.495+4G>C intronic alteration consists of a G to C substitution 4 nucleotides after exon 5 of the CWC27 gene. Based on insufficient or conflicting evidence, the clinical significance of this alteration remains unclear.

Literature cited by the submitters: PubMed 17576681 (cited by Labcorp Genetics (formerly Invitae), Labcorp); PubMed 9536098 (cited by Labcorp Genetics (formerly Invitae), Labcorp).